The following is an entry in ClinVar:

NM_022367.4(SEMA4A):c.576G>A (p.Met192Ile)

Gene: SEMA4A (semaphorin 4A; plus strand). Cytogenetic location: 1q22.
Variant type: single nucleotide variant.
Coding change: c.576G>A on transcript NM_022367.4 (MANE Select); coding-DNA position 576, G replaced by A.
Protein change: p.Met192Ile; replaces methionine 192 with isoleucine.
Molecular consequence: missense variant.
Genome position (GRCh38, 1-based): chr1:156,160,450, G>A. VCF-style: chr1-156160450-G-A. GRCh37 (hg19) VCF-style: chr1-156130241-G-A.
Other names: c.576G>A (NM_022367.3); c.576G>A, p.Met192Ile (NM_001193300.2, NM_001193301.2, NM_001370567.1); c.180G>A, p.Met60Ile (NM_001193302.2); c.279G>A, p.Met93Ile (NM_001370568.1); c.69G>A, p.Met23Ile (NM_001370569.1, NM_001370571.1); short protein forms M192I, M23I, M60I, M93I.
Identifiers: ClinVar variation 1425999 (VCV001425999.9), dbSNP rs145701501, ClinGen allele CA1155094.
Genomic context (GRCh38, chr1:156,160,450, plus strand): 5'-GCAGAGGAACCCTCCACCCCATCAGTTCTCTCTTCTCCTCTCCTCCACCCTAGATGGGAT[G>A]CTCTATTCTGGTACTATGAACAACTTCCTGGGCAGTGAGCCCATCCTGATGCGCACACTG-3'
Protein context (NP_071762.2, residues 182-202): HKHTAVLVDG[Met192Ile]LYSGTMNNFL

ClinVar aggregate classification (germline): Uncertain significance. Review status: criteria provided, multiple submitters, no conflicts (2 of 4 stars). 2 submissions from 2 submitters: Uncertain significance (2). Last evaluated 2023-08-19.

Allele frequency attached by ClinVar (database versions not stated): gnomAD exomes below 0.00001 and 0.00001; ExAC 0.00001; gnomAD 0.00001; TOPMed 0.00001; ESP Exome Variant Server 0.00008.

Submissions (2):

Labcorp Genetics (formerly Invitae), Labcorp
Classification: Uncertain significance. Last evaluated: 2023-08-19. Review status: criteria provided, single submitter. Criteria: Invitae Variant Classification Sherloc (09022015). Collection method: clinical testing. Allele origin: germline.
Comment: In summary, the available evidence is currently insufficient to determine the role of this variant in disease. Therefore, it has been classified as a Variant of Uncertain Significance. Advanced modeling of protein sequence and biophysical properties (such as structural, functional, and spatial information, amino acid conservation, physicochemical variation, residue mobility, and thermodynamic stability) performed at Invitae indicates that this missense variant is not expected to disrupt SEMA4A protein function. ClinVar contains an entry for this variant (Variation ID: 1425999). This variant has not been reported in the literature in individuals affected with SEMA4A-related conditions. This variant is present in population databases (rs145701501, gnomAD 0.007%). This sequence change replaces methionine, which is neutral and non-polar, with isoleucine, which is neutral and non-polar, at codon 192 of the SEMA4A protein (p.Met192Ile).

Ambry Genetics
Classification: Uncertain significance. Last evaluated: 2023-07-25. Review status: criteria provided, single submitter. Criteria: Ambry Variant Classification Scheme 2023. Collection method: clinical testing. Allele origin: germline.